The following is an entry in ClinVar:

ClinVar aggregate classification (germline): Uncertain significance. Review status: criteria provided, multiple submitters, no conflicts (2 of 4 stars). 6 submissions from 6 submitters: Uncertain significance (5). 1 of the submissions does not count toward it. Last evaluated 2022-07-19.

Conditions:
Cardiovascular phenotype. Identifiers: MedGen CN230736.
Long QT syndrome (LQTS). Identifiers: MedGen C0023976, MeSH D008133, MONDO:0002442. Disease mechanism: loss of function. Inheritance: Various modes of inheritance.
Cardiac arrhythmia, ankyrin-B-related. Also called: ANKYRIN-B SYNDROME. Identifiers: Orphanet 101016, Orphanet 768, MedGen C1970119, MONDO:0010958, OMIM 600919.

Allele frequency attached by ClinVar (database versions not stated): TOPMed 0.00005; gnomAD exomes 0.00006 and 0.00002; ExAC 0.00004; gnomAD 0.00003.
gnomAD v4.1: 37 of 1,614,084 alleles (0.0023%); highest among the groups gnomAD compares: Admixed American, 0.013%; no homozygotes.

Submissions (6):

Labcorp Genetics (formerly Invitae), Labcorp
Classification: Uncertain significance for Long QT syndrome. Last evaluated: 2022-07-19. Review status: criteria provided, single submitter. Criteria: Invitae Variant Classification Sherloc (09022015). Collection method: clinical testing. Allele origin: germline.
Comment: This sequence change replaces alanine, which is neutral and non-polar, with valine, which is neutral and non-polar, at codon 373 of the ANK2 protein (p.Ala373Val). This missense change has been observed in individual(s) with clinical features of ANK2-related conditions (PMID: 33004838). In summary, the available evidence is currently insufficient to determine the role of this variant in disease. Therefore, it has been classified as a Variant of Uncertain Significance. Algorithms developed to predict the effect of missense changes on protein structure and function are either unavailable or do not agree on the potential impact of this missense change (SIFT: "Deleterious"; PolyPhen-2: "Probably Damaging"; Align-GVGD: "Class C0"). ClinVar contains an entry for this variant (Variation ID: 190541). This variant is present in population databases (rs772102642, gnomAD 0.03%).

Fulgent Genetics
Classification: Uncertain significance for Cardiac arrhythmia, ankyrin-B-related. Last evaluated: 2022-04-29. Review status: criteria provided, single submitter. Criteria: ACMG Guidelines, 2015. Collection method: clinical testing. Allele origin: unknown.

Ambry Genetics
Classification: Uncertain significance for Cardiovascular phenotype. Last evaluated: 2021-01-22. Review status: criteria provided, single submitter. Criteria: Ambry Variant Classification Scheme 2023. Collection method: clinical testing. Allele origin: germline.
Comment: The p.A373V variant (also known as c.1118C>T), located in coding exon 11 of the ANK2 gene, results from a C to T substitution at nucleotide position 1118. The alanine at codon 373 is replaced by valine, an amino acid with similar properties. This variant has been detected in an individual from an autism cohort, and in an individual with early onset atrial fibrillation who also had a variant in the SCN5A gene (Wang T et al. Nat Commun, 2016 11;7:13316; Goodyer WR et al. Circ Genom Precis Med, 2019 11;12:e002713). This amino acid position is highly conserved in available vertebrate species. In addition, the in silico prediction for this alteration is inconclusive. Since supporting evidence is limited at this time, the clinical significance of this alteration remains unclear.

Illumina Laboratory Services, Illumina
Classification: Uncertain significance for Cardiac arrhythmia, ankyrin-B-related. Last evaluated: 2018-01-12. Review status: criteria provided, single submitter. Criteria: ICSL Variant Classification Criteria 13 December 2019. Collection method: clinical testing. Allele origin: germline.

GeneDx
Classification: Uncertain significance. Last evaluated: 2014-08-22. Review status: criteria provided, single submitter. Criteria: GeneDx Variant Classification (06012015). Collection method: clinical testing. Allele origin: germline. Affected: yes.
Comment: p.Ala373Val (GCG>GTG): c.1118 C>T in exon 11 of the ANK2 gene (NM_001148.4). To our knowledge, the A373V variant has not been published as a mutation or as a benign polymorphism. The A373V variant was not observed in approximately 6,500 individuals of European and African American ancestry in the NHLBI Exome Sequencing Project, indicating it is not a common benign variant in these populations. This substitution occurs at a position that is mostly conserved across species. In silico analysis predicts this variant is probably damaging to the protein structure/function. However, the A373V variant is a conservative amino acid substitution, which is not likely to impact secondary protein structure as these residues share similar properties. Furthermore, missense mutations in nearby residues have not been reported in association with arrhythmia, suggesting this region of the protein may be tolerant to change. Therefore, based on the currently available information, it is unclear whether this variant is a pathogenic mutation or a rare benign variant. The variant is found in ARRHYTHMIA panel(s).

Stanford Center for Inherited Cardiovascular Disease, Stanford University
Classification: Uncertain significance. Last evaluated: 2017-04-05. Review status: no assertion criteria provided. Collection method: provider interpretation. Allele origin: germline. Not counted in ClinVar's aggregate classification.
Comment: p.Ala373Val (c.1118 C>T) in the ANK2 gene (NM_001148.4) Chromosome position 4:114177018 C / T Given the lack of case data, the conservative nature of the amino acid change, and the higher allele frequency in East Asians, we consider this a variant of uncertain significance, probably benign. Re-review of the variant as of 4/4/2017 shows that it has not been reported in association with disease in the literature to date. There is a ClinVar entry from GeneDx with no case data provided (in fact this may reflect our patientâ€™s own testing). This is a conservative amino acid change, replacing a nonpolar alanine with a nonpolar valine. The alanine at codon 373 is very highly conserved across vertebrate species. In silico analysis predicts the variant to be probably damaging (per GeneDx report). There are no other variants at or near this codon reported as pathogenic in ClinVar as of 4/4/2017. The variant was reported online in 15 of 138,553 individuals in the Genome Aggregation Consortium Dataset (gnomAD), which currently includes variant calls on >140,000 unrelated individuals of African, Asian, European, Ashkenazi, Latino descent. This is an overall allele frequency of 0.005%. The phenotype of these individuals is not publicly available. The dataset is comprised of multiple cohorts, some of which were recruited from the general population, others were enriched for common cardiovascular disease.

Literature cited by the submitters: PubMed 33004838 (cited by Labcorp Genetics (formerly Invitae), Labcorp); PubMed 27824329 (cited by Ambry Genetics); PubMed 31638414 (cited by Ambry Genetics).

NM_001148.6(ANK2):c.1118C>T (p.Ala373Val)

Gene: ANK2 (ankyrin 2; plus strand). Cytogenetic location: 4q26.
Variant type: single nucleotide variant.
Coding change: c.1118C>T on transcript NM_001148.6 (MANE Select); coding-DNA position 1118, C replaced by T.
Protein change: p.Ala373Val; replaces alanine 373 with valine.
Molecular consequence: missense variant.
Genome position (GRCh38, 1-based): chr4:113,255,862, C>T. VCF-style: chr4-113255862-C-T. GRCh37 (hg19) VCF-style: chr4-114177018-C-T.
Other names: p.A373V:GCG>GTG; c.1055C>T, p.Ala352Val (NM_001127493.3, NM_001354239.2, NM_001354243.2 and 14 more transcripts); c.1118C>T, p.Ala373Val (NM_001354225.2, NM_001354228.2, NM_001354232.2 and 9 more transcripts); c.1163C>T, p.Ala388Val (NM_001354230.2, NM_001354231.2, NM_001354237.2 and 5 more transcripts); c.1031C>T, p.Ala344Val (NM_001354249.2, NM_001354271.2, NM_001354274.2 and 16 more transcripts); c.1106C>T, p.Ala369Val (NM_001354269.3, NM_001386186.2, NM_001386148.2); c.1076C>T, p.Ala359Val (NM_001386160.1, NM_001354261.2, NM_001386147.1); c.1169C>T, p.Ala390Val (NM_001386174.1); and 2 more; short protein forms A352V, A373V, A359V, A388V, A369V, A344V, A361V, A382V.
Identifiers: ClinVar variation 190541 (VCV000190541.16), dbSNP rs772102642, ClinGen allele CA300765.